The following is an entry in ClinVar:

ClinVar aggregate classification (germline): Uncertain significance (1 of 4 stars; one submission).

Conditions:
Rhabdoid tumor predisposition syndrome 2 (RTPS2). Identifiers: Orphanet 231108, Orphanet 69077, MedGen C2750074, MONDO:0013224, OMIM 613325.

Submission:

Labcorp Genetics (formerly Invitae), Labcorp
Classification: Uncertain significance for Rhabdoid tumor predisposition syndrome 2. Last evaluated: 2025-11-01. Review status: criteria provided, single submitter. Criteria: Invitae Variant Classification Sherloc (09022015). Collection method: clinical testing. Allele origin: germline.
Comment: This sequence change replaces glycine, which is neutral and non-polar, with arginine, which is basic and polar, at codon 256 of the SMARCA4 protein (p.Gly256Arg). This variant is present in population databases (no rsID available, gnomAD 0.0009%). This variant has not been reported in the literature in individuals affected with SMARCA4-related conditions. An algorithm developed to predict the effect of missense changes on protein structure and function (PolyPhen-2) suggests that this variant is likely to be tolerated. In summary, the available evidence is currently insufficient to determine the role of this variant in disease. Therefore, it has been classified as a Variant of Uncertain Significance.

NM_003072.5(SMARCA4):c.766G>A (p.Gly256Arg)

Gene: SMARCA4 (SWI/SNF related BAF chromatin remodeling complex subunit ATPase 4; plus strand). Cytogenetic location: 19p13.2.
Variant type: single nucleotide variant.
Coding change: c.766G>A on transcript NM_003072.5 (MANE Select); coding-DNA position 766, G replaced by A.
Protein change: p.Gly256Arg; replaces glycine 256 with arginine.
Molecular consequence: missense variant. On other transcripts: non-coding transcript variant (1).
Genome position (GRCh38, 1-based): chr19:10,986,910, G>A. VCF-style: chr19-10986910-G-A. GRCh37 (hg19) VCF-style: chr19-11097586-G-A.
Other names: c.766G>A, p.Gly256Arg (NM_001128844.3, NM_001128845.2, NM_001128846.2 and 6 more transcripts); short protein forms G256R.
Identifiers: ClinVar variation 4737000 (VCV004737000.1).
Genomic context (GRCh38, chr19:10,986,910, plus strand): 5'-CGCAGGCATAAACCTGGGACGCACTGTTTTCTCTTTTGTTTCTCCCTACATGTAGGTATG[G>A]GAGGGCCCAACATGCCTCCCCCAGGACCCTCGGGCGTGCCCCCCGGGATGCCAGGCCAGC-3'
Protein context (NP_003063.2, residues 246-266): PPNYSRPHGM[Gly256Arg]GPNMPPPGPS